The following is an entry in ClinVar:

NM_001127198.5(TMC6):c.754C>T (p.Leu252Phe)

Gene: TMC6 (transmembrane channel like 6; minus strand). Cytogenetic location: 17q25.3.
Variant type: single nucleotide variant.
Coding change: c.754C>T on transcript NM_001127198.5 (MANE Select); coding-DNA position 754, C replaced by T.
Protein change: p.Leu252Phe; replaces leucine 252 with phenylalanine.
Molecular consequence: missense variant. On other transcripts: non-coding transcript variant (4).
Genome position (GRCh38, 1-based): chr17:78,124,661, G>A on the plus strand (C>T on the coding strand, the complement: TMC6 is on the minus strand). VCF-style: chr17-78124661-G-A. GRCh37 (hg19) VCF-style: chr17-76120742-G-A.
Other names: c.754C>T, p.Leu252Phe (NM_001321185.1, NM_001374593.1, NM_001374594.1 and 4 more transcripts); short protein forms L252F.
Identifiers: ClinVar variation 2173386 (VCV002173386.4), dbSNP rs1273041279, ClinGen allele CA401232738.
Genomic context (GRCh38, chr17:78,124,661, plus strand): 5'-CCATGATGAAGGCCACCAGCAGCAGCAGCAGGAGGGCATTGAAAGCCAGCAGGGTCTTGA[G>A]AAAGAGGAAGTAGGAGAGCACGCTGGAGCCGAACTGGCCCCCGATGCGCTTCAGGGCGTA-3'
Protein context (NP_001120670.1, residues 242-262): GSSVLSYFLF[Leu252Phe]KTLLAFNALL

ClinVar aggregate classification (germline): Uncertain significance (1 of 4 stars; one submission).

Conditions:
Epidermodysplasia verruciformis. Identifiers: Orphanet 302, MedGen C0014522, MONDO:0009176.

Allele frequency attached by ClinVar (database versions not stated): gnomAD exomes below 0.00001; TOPMed below 0.00001; gnomAD 0.00001.
gnomAD v4.1: 6 of 1,610,874 alleles (0.00037%); highest among the groups gnomAD compares: Non-Finnish European, 0.00025%; no homozygotes.

Submission:

Labcorp Genetics (formerly Invitae), Labcorp
Classification: Uncertain significance for Epidermodysplasia verruciformis. Last evaluated: 2022-03-01. Review status: criteria provided, single submitter. Criteria: Invitae Variant Classification Sherloc (09022015). Collection method: clinical testing. Allele origin: germline.
Comment: This variant is present in population databases (no rsID available, gnomAD 0.009%). This variant has not been reported in the literature in individuals affected with TMC6-related conditions. Algorithms developed to predict the effect of missense changes on protein structure and function are either unavailable or do not agree on the potential impact of this missense change (SIFT: "Not Available"; PolyPhen-2: "Probably Damaging"; Align-GVGD: "Not Available"). In summary, the available evidence is currently insufficient to determine the role of this variant in disease. Therefore, it has been classified as a Variant of Uncertain Significance. This sequence change replaces leucine, which is neutral and non-polar, with phenylalanine, which is neutral and non-polar, at codon 252 of the TMC6 protein (p.Leu252Phe).